The following is an entry in ClinVar:

NM_024757.5(EHMT1):c.2122_2127dup (p.Pro709_Gly710insThrPro)

Gene: EHMT1 (euchromatic histone lysine methyltransferase 1; plus strand). Cytogenetic location: 9q34.3.
Variant type: Duplication.
Coding change: c.2122_2127dup on transcript NM_024757.5 (MANE Select); coding-DNA positions 2122 to 2127, 6 bases duplicated (ACTCCC; older notation c.2122_2127dupACTCCC).
Protein change: p.Pro709_Gly710insThrPro.
Molecular consequence: inframe insertion.
Genome position (GRCh38, 1-based): chr9:137,777,985-137,777,990, ACTCCC duplicated. VCF-style (leftmost placement, unchanged base first): chr9-137777984-A-AACTCCC. GRCh37 (hg19) VCF-style: chr9-140672436-A-AACTCCC.
Other names: c.2122_2127dup, p.Pro709_Gly710insThrPro (NM_001145527.2); c.2029_2034dup, p.Pro678_Gly679insThrPro (NM_001354259.2); c.2101_2106dup, p.Pro702_Gly703insThrPro (NM_001354263.2).
Identifiers: ClinVar variation 2022790 (VCV002022790.4), dbSNP rs1951088769, ClinGen allele CA1884667077.

ClinVar aggregate classification (germline): Uncertain significance (1 of 4 stars; one submission).

Conditions:
Kleefstra syndrome 1 (KLEFS1). Identifiers: Orphanet 261494, MedGen C0795833, MONDO:0027407, OMIM 610253.

Submission:

Labcorp Genetics (formerly Invitae), Labcorp
Classification: Uncertain significance for Kleefstra syndrome 1. Last evaluated: 2022-08-08. Review status: criteria provided, single submitter. Criteria: Invitae Variant Classification Sherloc (09022015). Collection method: clinical testing. Allele origin: germline.
Comment: In summary, the available evidence is currently insufficient to determine the role of this variant in disease. Therefore, it has been classified as a Variant of Uncertain Significance. Experimental studies and prediction algorithms are not available or were not evaluated, and the functional significance of this variant is currently unknown. This variant has not been reported in the literature in individuals affected with EHMT1-related conditions. This variant is not present in population databases (gnomAD no frequency). This variant, c.2122_2127dup, results in the insertion of 2 amino acid(s) of the EHMT1 protein (p.Thr708_Pro709dup), but otherwise preserves the integrity of the reading frame.